The following is an entry in ClinVar:

NM_018051.5(DYNC2I1):c.2256C>T (p.Thr752=)

Gene: DYNC2I1 (dynein 2 intermediate chain 1; plus strand). Cytogenetic location: 7q36.3.
Variant type: single nucleotide variant.
Coding change: c.2256C>T on transcript NM_018051.5 (MANE Select); coding-DNA position 2256, C replaced by T.
Protein change: p.Thr752=; no amino-acid change (threonine 752 retained).
Molecular consequence: synonymous variant.
Genome position (GRCh38, 1-based): chr7:158,923,732, C>T. VCF-style: chr7-158923732-C-T. GRCh37 (hg19) VCF-style: chr7-158716423-C-T.
Other names: c.2118C>T, p.Thr706= (NM_001350914.2); c.1683C>T, p.Thr561= (NM_001350915.2); c.795C>T, p.Thr265= (NM_001350916.2); c.1008C>T, p.Thr336= (NM_001350917.2, NM_001350918.2).
Identifiers: ClinVar variation 2733321 (VCV002733321.1), dbSNP rs199575391, ClinGen allele CA4594915.

ClinVar aggregate classification (germline): Uncertain significance (1 of 4 stars; one submission).

Conditions:
Short-rib thoracic dysplasia 8 with or without polydactyly (SRTD8). Also called: SHORT-RIB THORACIC DYSPLASIA 8 WITH POLYDACTYLY. Identifiers: Orphanet 93271, MedGen C3809691, MONDO:0014214, OMIM 615503.

Allele frequency attached by ClinVar (database versions not stated): gnomAD 0.00002; gnomAD exomes 0.00003; TOPMed 0.00003; ExAC 0.00006; ESP Exome Variant Server 0.00008; 1000 Genomes Project 30x 0.00016; 1000 Genomes Project 0.00020.
gnomAD v4.1: 45 of 1,604,654 alleles (0.0028%); highest among the groups gnomAD compares: South Asian, 0.0089%; no homozygotes.

Submission:

Labcorp Genetics (formerly Invitae), Labcorp
Classification: Uncertain significance for Short-rib thoracic dysplasia 8 with or without polydactyly. Last evaluated: 2023-05-20. Review status: criteria provided, single submitter. Criteria: Invitae Variant Classification Sherloc (09022015). Collection method: clinical testing. Allele origin: germline.
Comment: In summary, the available evidence is currently insufficient to determine the role of this variant in disease. Therefore, it has been classified as a Variant of Uncertain Significance. Algorithms developed to predict the effect of sequence changes on RNA splicing suggest that this variant is not likely to affect RNA splicing. This variant has not been reported in the literature in individuals affected with WDR60-related conditions. This variant is present in population databases (rs199575391, gnomAD 0.01%). This sequence change affects codon 752 of the WDR60 mRNA. It is a 'silent' change, meaning that it does not change the encoded amino acid sequence of the WDR60 protein. It affects a nucleotide within the consensus splice site.